The following is an entry in ClinVar:

NM_001374828.1(ARID1B):c.2025C>G (p.Tyr675Ter)

Gene: ARID1B (AT-rich interaction domain 1B; plus strand). Cytogenetic location: 6q25.3.
Variant type: single nucleotide variant.
Coding change: c.2025C>G on transcript NM_001374828.1 (MANE Select); coding-DNA position 2025, C replaced by G.
Protein change: p.Tyr675Ter; replaces tyrosine 675 with a stop codon.
Molecular consequence: nonsense.
Genome position (GRCh38, 1-based): chr6:156,901,414, C>G. VCF-style: chr6-156901414-C-G. GRCh37 (hg19) VCF-style: chr6-157222548-C-G.
Other names: c.2064C>G, p.Tyr688Ter (NM_001371656.1, NM_001374820.1); c.2025C>G, p.Tyr675Ter (NM_017519.3); short protein forms Y675*, Y688*.
Identifiers: ClinVar variation 1679121 (VCV001679121.2), dbSNP rs773640553, ClinGen allele CA366380682.

ClinVar aggregate classification (germline): Likely pathogenic (1 of 4 stars; one submission).

Conditions:
Coffin-Siris syndrome 1 (CSS1). Also called: Mental retardation, autosomal dominant 12; ARID1B-Related Coffin-Siris Syndrome. Identifiers: Orphanet 1465, MedGen C3281201, MONDO:0007617, OMIM 135900. Disease mechanism: gain of function.

Submission:

Institute of Human Genetics, University of Leipzig Medical Center
Classification: Likely pathogenic for Coffin-Siris syndrome 1. Last evaluated: 2022-04-19. Review status: criteria provided, single submitter. Criteria: ACMG Guidelines, 2015. Collection method: clinical testing. Allele origin: unknown. Inheritance: Autosomal dominant inheritance. Affected: yes.
Comment: Criteria applied: PVS1,PM2_SUP